The following is an entry in ClinVar:

ClinVar aggregate classification (germline): Uncertain significance (1 of 4 stars; one submission).

Conditions:
Holoprosencephaly 9 (HPE9). Also called: PITUITARY ANOMALIES WITH HOLOPROSENCEPHALY-LIKE FEATURES; HOLOPROSENCEPHALY WITH MICROPHTHALMIA AND FIRST BRANCHIAL ARCH ANOMALIES. Identifiers: Orphanet 2162, MedGen C1835819, MONDO:0012563, OMIM 610829.
Postaxial polydactyly-anterior pituitary anomalies-facial dysmorphism syndrome. Also called: Culler-Jones syndrome. Identifiers: Orphanet 420584, MedGen C4014479, MONDO:0014369, OMIM 615849.

gnomAD v4.1: 18 of 1,614,198 alleles (0.0011%); highest among the groups gnomAD compares: Admixed American, 0.03%; no homozygotes.

Submission:

Labcorp Genetics (formerly Invitae), Labcorp
Classification: Uncertain significance for Postaxial polydactyly-anterior pituitary anomalies-facial dysmorphism syndrome; Holoprosencephaly 9. Last evaluated: 2025-12-30. Review status: criteria provided, single submitter. Criteria: Invitae Variant Classification Sherloc (09022015). Collection method: clinical testing. Allele origin: germline.
Comment: This sequence change replaces lysine, which is basic and polar, with arginine, which is basic and polar, at codon 611 of the GLI2 protein (p.Lys611Arg). This variant is present in population databases (rs769812935, gnomAD 0.05%), and has an allele count higher than expected for a pathogenic variant. This variant has not been reported in the literature in individuals affected with GLI2-related conditions. ClinVar contains an entry for this variant (Variation ID: 3758730). An algorithm developed to predict the effect of missense changes on protein structure and function outputs the following: PolyPhen-2: "Benign". The arginine amino acid residue is found in multiple mammalian species, which suggests that this missense change does not adversely affect protein function. In summary, the available evidence is currently insufficient to determine the role of this variant in disease. Therefore, it has been classified as a Variant of Uncertain Significance.

NM_001374353.1(GLI2):c.1781A>G (p.Lys594Arg)

Gene: GLI2 (GLI family zinc finger 2; plus strand). Cytogenetic location: 2q14.2.
Variant type: single nucleotide variant.
Coding change: c.1781A>G on transcript NM_001374353.1 (MANE Select); coding-DNA position 1781, A replaced by G.
Protein change: p.Lys594Arg; replaces lysine 594 with arginine.
Molecular consequence: missense variant.
Genome position (GRCh38, 1-based): chr2:120,984,619, A>G. VCF-style: chr2-120984619-A-G. GRCh37 (hg19) VCF-style: chr2-121742195-A-G.
Other names: c.1832A>G, p.Lys611Arg (NM_001371271.1, NM_005270.5); c.1406A>G, p.Lys469Arg (NM_001374354.1); short protein forms K469R, K594R, K611R.
Identifiers: ClinVar variation 3758730 (VCV003758730.2).